The following is an entry in ClinVar:

NM_000444.6(PHEX):c.1965+1G>A

Genes: PHEX (phosphate regulating endopeptidase X-linked; plus strand), PTCHD1-AS (PTCHD1 and PHEX antisense RNA; minus strand). Cytogenetic location: Xp22.11.
Variant type: single nucleotide variant.
Coding change: c.1965+1G>A on transcript NM_000444.6 (MANE Select); the canonical splice donor site of the intron after coding-DNA position 1965, G replaced by A.
Molecular consequence: splice donor variant.
Genome position (GRCh38, 1-based): chrX:22,226,509, G>A. VCF-style: chrX-22226509-G-A. GRCh37 (hg19) VCF-style: chrX-22244626-G-A.
Other names: c.1965+1G>A (NM_001282754.2).
Identifiers: ClinVar variation 438485 (VCV000438485.8), dbSNP rs1240767654, ClinGen allele CA412574267.

ClinVar aggregate classification (germline): Pathogenic/Likely pathogenic. Review status: criteria provided, multiple submitters, no conflicts (2 of 4 stars). 3 submissions from 3 submitters: Pathogenic (2); Likely pathogenic (1). Last evaluated 2025-08-20.

Conditions:
Familial X-linked hypophosphatemic vitamin D refractory rickets (XLHRD). Also called: X-Linked Hypophosphatemia; Hypophosphatemic Rickets, X-Linked Dominant; HYPOPHOSPHATEMIC VITAMIN D-RESISTANT RICKETS; Hypophosphatemia, vitamin D-resistant rickets; Vitamin D-resistant rickets, X-linked. Identifiers: Orphanet 89936, MedGen C0733682, MONDO:0010619, OMIM 307800.

Allele frequency attached by ClinVar (database versions not stated): TOPMed below 0.00001.

Submissions (3):

Labcorp Genetics (formerly Invitae), Labcorp
Classification: Pathogenic. Last evaluated: 2025-08-20. Review status: criteria provided, single submitter. Criteria: Invitae Variant Classification Sherloc (09022015). Collection method: clinical testing. Allele origin: germline.
Comment: This sequence change affects a donor splice site in intron 19 of the PHEX gene. It is expected to disrupt RNA splicing. Variants that disrupt the donor or acceptor splice site typically lead to a loss of protein function (PMID: 16199547), and loss-of-function variants in PHEX are known to be pathogenic (PMID: 9097956, 9106524, 19219621). This variant is not present in population databases (gnomAD no frequency). Disruption of this splice site has been observed in individual(s) with hypophosphatemic rickets (PMID: 9097956, 18162710, 19219621, 29460029, 30682568). ClinVar contains an entry for this variant (Variation ID: 438485). Algorithms developed to predict the effect of sequence changes on RNA splicing suggest that this variant may disrupt the consensus splice site. For these reasons, this variant has been classified as Pathogenic.

Women's Health and Genetics/Laboratory Corporation of America, LabCorp
Classification: Likely pathogenic for Familial X-linked hypophosphatemic vitamin D refractory rickets. Last evaluated: 2025-01-22. Review status: criteria provided, single submitter. Criteria: LabCorp Variant Classification Summary - May 2015. Collection method: clinical testing. Allele origin: germline.
Comment: Variant summary: PHEX c.1965+1G>A is located in a canonical splice-site and is predicted to affect mRNA splicing resulting in a significantly altered protein due to either exon skipping, shortening, or inclusion of intronic material. Variants that disrupt the consensus splice site are a relatively common cause of aberrant splicing and loss of PHEX function. Several computational tools predict a significant impact on normal splicing: Four predict the variant abolishes the canonical 5' splicing donor site. However, these predictions have yet to be confirmed by functional studies. The variant was absent in 183463 control chromosomes. c.1965+1G>A has been reported in the literature in at-least two individuals affected with X-Linked Hypophosphatemic Rickets (Rowe_1997, Song_2007,Zhang_2019 ). To our knowledge, no experimental evidence demonstrating an impact on protein function has been reported. The following publications have been ascertained in the context of this evaluation (PMID: 9097956, 18162710, 30682568). ClinVar contains an entry for this variant (Variation ID: 438485). Based on the evidence outlined above, the variant was classified as likely pathogenic.

Institute of Human Genetics Munich, TUM University Hospital
Classification: Pathogenic for Familial X-linked hypophosphatemic vitamin D refractory rickets. Last evaluated: 2017-06-12. Review status: criteria provided, single submitter. Criteria: Classification criteria August 2017. Collection method: clinical testing. Allele origin: germline. Inheritance: X-linked inheritance. Affected: yes. Observed: 1 heterozygote.

Literature cited by the submitters: PubMed 16199547 (cited by Labcorp Genetics (formerly Invitae), Labcorp); PubMed 9097956 (cited by 3 submitters); PubMed 9106524 (cited by Labcorp Genetics (formerly Invitae), Labcorp); PubMed 19219621 (cited by Labcorp Genetics (formerly Invitae), Labcorp); PubMed 18162710 (cited by Labcorp Genetics (formerly Invitae), Labcorp and Women's Health and Genetics/Laboratory Corporation of America, LabCorp); PubMed 29460029 (cited by Labcorp Genetics (formerly Invitae), Labcorp); PubMed 30682568 (cited by Labcorp Genetics (formerly Invitae), Labcorp and Women's Health and Genetics/Laboratory Corporation of America, LabCorp).